The following is an entry in ClinVar:

NM_004656.4(BAP1):c.1849A>G (p.Arg617Gly)

Gene: BAP1 (BRCA1 associated deubiquitinase 1; minus strand). Cytogenetic location: 3p21.1.
Variant type: single nucleotide variant.
Coding change: c.1849A>G on transcript NM_004656.4 (MANE Select); coding-DNA position 1849, A replaced by G.
Protein change: p.Arg617Gly; replaces arginine 617 with glycine.
Molecular consequence: missense variant.
Genome position (GRCh38, 1-based): chr3:52,403,179, T>C on the plus strand (A>G on the coding strand, the complement: BAP1 is on the minus strand). VCF-style: chr3-52403179-T-C. GRCh37 (hg19) VCF-style: chr3-52437195-T-C.
Other names: c.1795A>G, p.Arg599Gly (NM_001410772.1); short protein forms R599G, R617G.
Identifiers: ClinVar variation 3224445 (VCV003224445.1), dbSNP rs2153226456, ClinGen allele CA353098193.

ClinVar aggregate classification (germline): Uncertain significance (1 of 4 stars; one submission).

Conditions:
Hereditary cancer-predisposing syndrome. Also called: Tumor predisposition; Hereditary neoplastic syndrome; Hereditary Cancer Syndrome; Neoplastic Syndromes, Hereditary. Identifiers: Orphanet 140162, MedGen C0027672, MeSH D009386, MONDO:0015356.

Submission:

Ambry Genetics
Classification: Uncertain significance for Hereditary cancer-predisposing syndrome. Last evaluated: 2022-12-10. Review status: criteria provided, single submitter. Criteria: Ambry Variant Classification Scheme 2023. Collection method: clinical testing. Allele origin: germline.
Comment: The p.R617G variant (also known as c.1849A>G), located in coding exon 14 of the BAP1 gene, results from an A to G substitution at nucleotide position 1849. The arginine at codon 617 is replaced by glycine, an amino acid with dissimilar properties. This amino acid position is conserved. In addition, this alteration is predicted to be tolerated by in silico analysis. Since supporting evidence is limited at this time, the clinical significance of this alteration remains unclear.